The following is an entry in ClinVar:

ClinVar aggregate classification (germline): Uncertain significance (1 of 4 stars; one submission).

Conditions:
Brachyolmia-amelogenesis imperfecta syndrome. Also called: Tooth agenesis, selective, 6; Dental anomalies and short stature; PLATYSPONDYLY WITH AMELOGENESIS IMPERFECTA. Identifiers: Orphanet 2899, MedGen C1832594, MONDO:0011018, OMIM 601216. Disease mechanism: loss of function.

gnomAD v4.1: 2 of 1,530,378 alleles (0.00013%); highest among the groups gnomAD compares: Non-Finnish European, 0.00018%; no homozygotes.

Submission:

Labcorp Genetics (formerly Invitae), Labcorp
Classification: Uncertain significance for Brachyolmia-amelogenesis imperfecta syndrome. Last evaluated: 2021-08-05. Review status: criteria provided, single submitter. Criteria: Invitae Variant Classification Sherloc (09022015). Collection method: clinical testing. Allele origin: germline.
Comment: In summary, the available evidence is currently insufficient to determine the role of this variant in disease. Therefore, it has been classified as a Variant of Uncertain Significance. Algorithms developed to predict the effect of missense changes on protein structure and function are either unavailable or do not agree on the potential impact of this missense change (SIFT: "Deleterious"; PolyPhen-2: "Probably Damaging"; Align-GVGD: "Class C0"). This variant has not been reported in the literature in individuals affected with LTBP3-related conditions. The frequency data for this variant in the population databases is considered unreliable, as metrics indicate insufficient coverage at this position in the ExAC database. This sequence change replaces aspartic acid with glutamic acid at codon 1084 of the LTBP3 protein (p.Asp1084Glu). The aspartic acid residue is weakly conserved and there is a small physicochemical difference between aspartic acid and glutamic acid.

NM_001130144.3(LTBP3):c.3252C>G (p.Asp1084Glu)

Genes: LTBP3 (latent transforming growth factor beta binding protein 3; minus strand), LOC121832793 (Sharpr-MPRA regulatory region 4001; plus strand). Cytogenetic location: 11q13.1.
Variant type: single nucleotide variant.
Coding change: c.3252C>G on transcript NM_001130144.3 (MANE Select); coding-DNA position 3252, C replaced by G.
Protein change: p.Asp1084Glu; replaces aspartic acid 1084 with glutamic acid.
Molecular consequence: missense variant. On other transcripts: intron variant (2).
Genome position (GRCh38, 1-based): chr11:65,540,146, G>C on the plus strand (C>G on the coding strand, the complement: LTBP3 is on the minus strand). VCF-style: chr11-65540146-G-C. GRCh37 (hg19) VCF-style: chr11-65307617-G-C.
Other names: c.2893+99C>G (NM_001164266.1); c.3244+99C>G (NM_021070.4); short protein forms D1084E.
Identifiers: ClinVar variation 1372686 (VCV001372686.6), dbSNP rs765891223, ClinGen allele CA381267294.